The following is an entry in ClinVar:

ClinVar aggregate classification (germline): Uncertain significance. Review status: criteria provided, multiple submitters, no conflicts (2 of 4 stars). 3 submissions from 3 submitters: Uncertain significance (2). 1 of the submissions does not count toward it. Last evaluated 2024-10-28.

Conditions:
Autosomal recessive nonsyndromic hearing loss 77. Identifiers: Orphanet 90636, MedGen C2746083, MONDO:0013119, OMIM 613079.

Allele frequency attached by ClinVar (database versions not stated): gnomAD exomes 0.00001 and 0.00002; gnomAD 0.00002 and 0.00003; TOPMed 0.00002.
gnomAD v4.1: 31 of 1,551,878 alleles (0.002%); highest among the groups gnomAD compares: Non-Finnish European, 0.0026%; no homozygotes.

Submissions (3):

Blueprint Genetics
Classification: Uncertain significance. Last evaluated: 2024-10-28. Review status: criteria provided, single submitter. Criteria: ACMG Guidelines, 2015. Collection method: clinical testing. Allele origin: germline.

GeneDx
Classification: Uncertain significance. Last evaluated: 2017-05-15. Review status: criteria provided, single submitter. Criteria: GeneDx Variant Classification (06012015). Collection method: clinical testing. Allele origin: germline. Affected: yes.
Comment: The A57V variant in the LOXHD1 gene has not been reported previously as a pathogenic variant, nor as a benign variant, to our knowledge. The A57V variant is not observed in large population cohorts (Lek et al., 2016; 1000 Genomes Consortium et al., 2015; Exome Variant Server). The A57V variant is a conservative amino acid substitution, which is not likely to impact secondary protein structure as these residues share similar properties. However, this substitution occurs at a position that is conserved across species, and in silico analysis predicts this variant is probably damaging to the protein structure/function. We interpret A57V as a variant of uncertain significance.

Natera, Inc.
Classification: Uncertain significance for Autosomal recessive deafness type 77. Last evaluated: 2020-10-12. Review status: no assertion criteria provided. Collection method: clinical testing. Allele origin: germline. Not counted in ClinVar's aggregate classification.

NM_001384474.1(LOXHD1):c.170C>T (p.Ala57Val)

Gene: LOXHD1 (lipoxygenase homology PLAT domains 1; minus strand). Cytogenetic location: 18q21.1.
Variant type: single nucleotide variant.
Coding change: c.170C>T on transcript NM_001384474.1 (MANE Select); coding-DNA position 170, C replaced by T.
Protein change: p.Ala57Val; replaces alanine 57 with valine.
Molecular consequence: missense variant.
Genome position (GRCh38, 1-based): chr18:46,649,230, G>A on the plus strand (C>T on the coding strand, the complement: LOXHD1 is on the minus strand). VCF-style: chr18-46649230-G-A. GRCh37 (hg19) VCF-style: chr18-44229193-G-A.
Other names: c.170C>T, p.Ala57Val (NM_144612.7); short protein forms A57V.
Identifiers: ClinVar variation 430107 (VCV000430107.4), dbSNP rs1131691786, ClinGen allele CA402372834.
Genomic context (GRCh38, chr18:46,649,230, plus strand): 5'-AGCTTGGGAGAGAGCCCATTCTCTCCAAAAAGCGTGATGAAGACATTGGCATCCGTCCCT[G>A]CACCGCGAACATCCCCCGTGGCTGTGACCACTTCATACACTGGAGGAGGAGAGGAGGAGA-3'
Protein context (NP_001371403.1, residues 47-67): VVTATGDVRG[Ala57Val]GTDANVFITL